The following is an entry in ClinVar:

ClinVar aggregate classification (germline): Uncertain significance. Review status: criteria provided, multiple submitters, no conflicts (2 of 4 stars). 3 submissions from 3 submitters: Uncertain significance (3). Last evaluated 2026-02-02.

Conditions:
Hereditary cancer-predisposing syndrome. Also called: Tumor predisposition; Hereditary Cancer Syndrome; Hereditary neoplastic syndrome; Neoplastic Syndromes, Hereditary. Identifiers: Orphanet 140162, MedGen C0027672, MeSH D009386, MONDO:0015356.

Submissions (3):

Labcorp Genetics (formerly Invitae), Labcorp
Classification: Uncertain significance. Last evaluated: 2026-02-02. Review status: criteria provided, single submitter. Criteria: Invitae Variant Classification Sherloc (09022015). Collection method: clinical testing. Allele origin: germline.
Comment: This variant, c.856_858del, results in the deletion of 1 amino acid(s) of the SMARCB1 protein (p.Lys286del), but otherwise preserves the integrity of the reading frame. This variant is not present in population databases (gnomAD no frequency). This variant has not been reported in the literature in individuals affected with SMARCB1-related conditions. ClinVar contains an entry for this variant (Variation ID: 410710). Experimental studies and prediction algorithms are not available or were not evaluated, and the functional significance of this variant is currently unknown. In summary, the available evidence is currently insufficient to determine the role of this variant in disease. Therefore, it has been classified as a Variant of Uncertain Significance.

Ambry Genetics
Classification: Uncertain significance for Hereditary cancer-predisposing syndrome. Last evaluated: 2025-02-04. Review status: criteria provided, single submitter. Criteria: Ambry Variant Classification Scheme 2023. Collection method: clinical testing. Allele origin: germline.
Comment: The c.856_858delAAG variant (also known as p.K286del) is located in coding exon 7 of the SMARCB1 gene. This variant results from an in-frame AAG deletion at nucleotide positions 856 to 858. This results in the in-frame deletion of a lysine at codon 286. This amino acid position is well conserved in available vertebrate species. In addition, this alteration is predicted to be deleterious by in silico analysis (Choi Y et al. PLoS ONE. 2012; 7(10):e46688). This variant was detected in multiple individuals with no reported features of SMARCB1-related Coffin-Siris syndrome (Ambry internal data). Based on the supporting evidence, the association of this alteration with SMARCB1-related tumor predisposition syndrome is unknown; however, the association of this alteration with Coffin-Siris syndrome is unlikely.

GeneDx
Classification: Uncertain significance. Last evaluated: 2024-12-09. Review status: criteria provided, single submitter. Criteria: GeneDx Variant Classification Process June 2021. Collection method: clinical testing. Allele origin: germline. Affected: yes.
Comment: In-frame deletion of 1 amino acid in a non-repeat region; Not observed at significant frequency in large population cohorts (gnomAD); In silico analysis supports a deleterious effect on protein structure/function; Has not been previously published as pathogenic or benign to our knowledge; This variant is associated with the following publications: (PMID: 26073604)

NM_003073.5(SMARCB1):c.856_858del (p.Lys286del)

Gene: SMARCB1 (SWI/SNF related BAF chromatin remodeling complex subunit B1; plus strand). Cytogenetic location: 22q11.23.
Variant type: Deletion.
Coding change: c.856_858del on transcript NM_003073.5 (MANE Select); coding-DNA positions 856 to 858, 3 bases deleted (AAG; older notation c.856_858delAAG).
Protein change: p.Lys286del; deletes lysine 286.
Molecular consequence: inframe deletion.
Genome position (GRCh38, 1-based): chr22:23,825,285-23,825,287, AAG deleted; deleting any 3 consecutive bases within chr22:23,825,283-23,825,287 gives the same sequence; the c. name uses the placement nearest the transcript's 3' end. VCF-style (leftmost placement, unchanged base first): chr22-23825282-GAGA-G. GRCh37 (hg19) VCF-style: chr22-24167469-GAGA-G.
Other names: c.856_858del (LRG_520t1, NM_003073.3); c.829_831del, p.Lys277del (NM_001007468.3); c.883_885del, p.Lys295del (NM_001317946.2); c.910_912del, p.Lys304del (NM_001362877.2); short protein forms K286del, K304del, K277del, K295del.
Identifiers: ClinVar variation 410710 (VCV000410710.18), dbSNP rs1060503020, ClinGen allele CA16616294.